The following is an entry in ClinVar:

ClinVar aggregate classification (germline): Uncertain significance (1 of 4 stars; one submission).

Allele frequency attached by ClinVar (database versions not stated): gnomAD exomes below 0.00001; ExAC 0.00001.
gnomAD v4.1: 1 of 1,614,158 alleles (0.000062%); highest among the groups gnomAD compares: Admixed American, 0.0017%; no homozygotes.

Submission:

Labcorp Genetics (formerly Invitae), Labcorp
Classification: Uncertain significance. Last evaluated: 2022-11-15. Review status: criteria provided, single submitter. Criteria: Invitae Variant Classification Sherloc (09022015). Collection method: clinical testing. Allele origin: germline.
Comment: In summary, the available evidence is currently insufficient to determine the role of this variant in disease. Therefore, it has been classified as a Variant of Uncertain Significance. Advanced modeling of protein sequence and biophysical properties (such as structural, functional, and spatial information, amino acid conservation, physicochemical variation, residue mobility, and thermodynamic stability) performed at Invitae indicates that this missense variant is not expected to disrupt MTOR protein function. ClinVar contains an entry for this variant (Variation ID: 1034855). This variant has not been reported in the literature in individuals affected with MTOR-related conditions. This variant is present in population databases (rs780002014, gnomAD 0.003%). This sequence change replaces serine, which is neutral and polar, with glycine, which is neutral and non-polar, at codon 932 of the MTOR protein (p.Ser932Gly).

NM_004958.4(MTOR):c.2794A>G (p.Ser932Gly)

Gene: MTOR (mechanistic target of rapamycin kinase; minus strand). Cytogenetic location: 1p36.22.
Variant type: single nucleotide variant.
Coding change: c.2794A>G on transcript NM_004958.4 (MANE Select); coding-DNA position 2794, A replaced by G.
Protein change: p.Ser932Gly; replaces serine 932 with glycine.
Molecular consequence: missense variant.
Genome position (GRCh38, 1-based): chr1:11,228,904, T>C on the plus strand (A>G on the coding strand, the complement: MTOR is on the minus strand). VCF-style: chr1-11228904-T-C. GRCh37 (hg19) VCF-style: chr1-11288961-T-C.
Other names: c.2794A>G, p.Ser932Gly (NM_001386500.1); c.1546A>G, p.Ser516Gly (NM_001386501.1); short protein forms S516G, S932G.
Identifiers: ClinVar variation 1034855 (VCV001034855.8), dbSNP rs780002014, ClinGen allele CA590362.